The following is an entry in ClinVar:

NM_006904.7(PRKDC):c.1816T>G (p.Ser606Ala)

Gene: PRKDC (protein kinase, DNA-activated, catalytic subunit; minus strand). Cytogenetic location: 8q11.21.
Variant type: single nucleotide variant.
Coding change: c.1816T>G on transcript NM_006904.7 (MANE Select); coding-DNA position 1816, T replaced by G.
Protein change: p.Ser606Ala; replaces serine 606 with alanine.
Molecular consequence: missense variant.
Genome position (GRCh38, 1-based): chr8:47,930,748, A>C on the plus strand (T>G on the coding strand, the complement: PRKDC is on the minus strand). VCF-style: chr8-47930748-A-C. GRCh37 (hg19) VCF-style: chr8-48843308-A-C.
Other names: c.1816T>G, p.Ser606Ala (NM_001081640.2); short protein forms S606A.
Identifiers: ClinVar variation 1780680 (VCV001780680.2), dbSNP rs2551878782, ClinGen allele CA371164784.

ClinVar aggregate classification (germline): Uncertain significance (1 of 4 stars; one submission).

Submission:

Ambry Genetics
Classification: Uncertain significance. Last evaluated: 2022-07-07. Review status: criteria provided, single submitter. Criteria: Ambry Variant Classification Scheme 2023. Collection method: clinical testing. Allele origin: germline.
Comment: The p.S606A variant (also known as c.1816T>G), located in coding exon 17 of the PRKDC gene, results from a T to G substitution at nucleotide position 1816. The serine at codon 606 is replaced by alanine, an amino acid with similar properties. This amino acid position is conserved. In addition, this alteration is predicted to be tolerated by in silico analysis. Since supporting evidence is limited at this time, the clinical significance of this alteration remains unclear.